The following is an entry in ClinVar:

NM_001134407.3(GRIN2A):c.3293G>A (p.Cys1098Tyr)

Gene: GRIN2A (glutamate ionotropic receptor NMDA type subunit 2A; minus strand). Cytogenetic location: 16p13.2.
Variant type: single nucleotide variant.
Coding change: c.3293G>A on transcript NM_001134407.3 (MANE Select); coding-DNA position 3293, G replaced by A.
Protein change: p.Cys1098Tyr; replaces cysteine 1098 with tyrosine.
Molecular consequence: missense variant.
Genome position (GRCh38, 1-based): chr16:9,764,251, C>T on the plus strand (G>A on the coding strand, the complement: GRIN2A is on the minus strand). VCF-style: chr16-9764251-C-T. GRCh37 (hg19) VCF-style: chr16-9858108-C-T.
Other names: p.Cys1098Tyr; c.3293G>A, p.Cys1098Tyr (NM_000833.5, NM_001134408.2); short protein forms C1098Y.
Identifiers: ClinVar variation 411292 (VCV000411292.11), dbSNP rs746257794, ClinGen allele CA7896341.
Genomic context (GRCh38, chr16:9,764,251, plus strand): 5'-TAGATCTTGTCTCTAGGGGAGCTTGATTTGGTTTTCAGGTAGGTGCGCTCGACCTCACTA[C>T]AGTCCTTGGGGTATTTGGAGGCCACTGACCTTTTAAAGTTGTCCTTGGTTTTGTGGTTCT-3'
Protein context (NP_001127879.1, residues 1088-1108): RSVASKYPKD[Cys1098Tyr]SEVERTYLKT

ClinVar aggregate classification (germline): Conflicting classifications of pathogenicity. Review status: criteria provided, conflicting classifications (1 of 4 stars). 3 submissions from 3 submitters: Uncertain significance (2); Likely benign (1). Last evaluated 2025-08-20.

Conditions:
Landau-Kleffner syndrome (FESD). Also called: EPILEPSY, FOCAL, WITH SPEECH DISORDER AND WITH OR WITHOUT MENTAL RETARDATION; APHASIA, ACQUIRED, WITH EPILEPSY. Identifiers: Orphanet 1945, Orphanet 725, Orphanet 98818, MedGen C0282512, MONDO:0009509, OMIM 245570.

Allele frequency attached by ClinVar (database versions not stated): TOPMed below 0.00001; ExAC 0.00001; gnomAD exomes below 0.00001 and 0.00001.
gnomAD v4.1: 5 of 1,614,044 alleles (0.00031%); highest among the groups gnomAD compares: Admixed American, 0.0067%; no homozygotes.

Submissions (3):

Labcorp Genetics (formerly Invitae), Labcorp
Classification: Likely benign for Landau-Kleffner syndrome. Last evaluated: 2025-08-20. Review status: criteria provided, single submitter. Criteria: Invitae Variant Classification Sherloc (09022015). Collection method: clinical testing. Allele origin: germline.

GeneDx
Classification: Uncertain significance. Last evaluated: 2022-05-27. Review status: criteria provided, single submitter. Criteria: GeneDx Variant Classification Process June 2021. Collection method: clinical testing. Allele origin: germline. Affected: yes.
Comment: In silico analysis supports that this missense variant does not alter protein structure/function; Has not been previously published as pathogenic or benign to our knowledge

Mayo Clinic Laboratories, Mayo Clinic
Classification: Uncertain significance. Last evaluated: 2021-11-23. Review status: criteria provided, single submitter. Criteria: ACMG Guidelines, 2015. Collection method: clinical testing. Allele origin: germline. Observed: 1 variant allele.